The following is an entry in ClinVar:

ClinVar aggregate classification (germline): Uncertain significance. Review status: criteria provided, multiple submitters, no conflicts (2 of 4 stars). 3 submissions from 3 submitters: Uncertain significance (2). 1 of the submissions does not count toward it. Last evaluated 2025-11-18.

Conditions:
p phenotype. Also called: P1PK BLOOD GROUP SYSTEM, p PHENOTYPE. Identifiers: MedGen C0599990.

Allele frequency attached by ClinVar (database versions not stated): TOPMed 0.00005; 1000 Genomes Project 0.00020; gnomAD 0.00005; 1000 Genomes Project 30x 0.00016.
gnomAD v4.1: 75 of 1,602,426 alleles (0.0047%); highest among the groups gnomAD compares: Admixed American, 0.035%; no homozygotes.

Submissions (3):

Labcorp Genetics (formerly Invitae), Labcorp
Classification: Uncertain significance. Last evaluated: 2025-11-18. Review status: criteria provided, single submitter. Criteria: Invitae Variant Classification Sherloc (09022015). Collection method: clinical testing. Allele origin: germline.
Comment: This sequence change replaces proline, which is neutral and non-polar, with leucine, which is neutral and non-polar, at codon 251 of the A4GALT protein (p.Pro251Leu). This variant is present in population databases (rs28940571, gnomAD 0.05%). This missense change has been observed in individual(s) with clinical features of A4GALT-related disorders (PMID: 10993874, 15142124, 20053607, 23927681). ClinVar contains an entry for this variant (Variation ID: 2693). An algorithm developed to predict the effect of missense changes on protein structure and function (PolyPhen-2) suggests that this variant is likely to be disruptive. Experimental studies have shown that this missense change affects A4GALT function (PMID: 10993874). In summary, the available evidence is currently insufficient to determine the role of this variant in disease. Therefore, it has been classified as a Variant of Uncertain Significance.

Breakthrough Genomics
Classification: Uncertain significance. Review status: criteria provided, single submitter. Criteria: ACMG Guidelines, 2015. Collection method: not provided. Allele origin: germline. Inheritance: Autosomal dominant inheritance. Affected: yes.

OMIM
Classification: Affects for P1PK BLOOD GROUP SYSTEM, p PHENOTYPE. Last evaluated: 2002-03-29. Review status: no assertion criteria provided. Collection method: literature only. Allele origin: germline. Not counted in ClinVar's aggregate classification.

Literature cited by the submitters: PubMed 10993874 (cited by Labcorp Genetics (formerly Invitae), Labcorp); PubMed 15142124 (cited by Labcorp Genetics (formerly Invitae), Labcorp); PubMed 20053607 (cited by Labcorp Genetics (formerly Invitae), Labcorp); PubMed 23927681 (cited by Labcorp Genetics (formerly Invitae), Labcorp); PubMed 11782470 (cited by OMIM).

NM_017436.7(A4GALT):c.752C>T (p.Pro251Leu)

Gene: A4GALT (alpha 1,4-galactosyltransferase (P1PK blood group); minus strand). Cytogenetic location: 22q13.2.
Variant type: single nucleotide variant.
Coding change: c.752C>T on transcript NM_017436.7 (MANE Select); coding-DNA position 752, C replaced by T.
Protein change: p.Pro251Leu; replaces proline 251 with leucine.
Molecular consequence: missense variant.
Genome position (GRCh38, 1-based): chr22:42,693,200, G>A on the plus strand (C>T on the coding strand, the complement: A4GALT is on the minus strand). VCF-style: chr22-42693200-G-A. GRCh37 (hg19) VCF-style: chr22-43089206-G-A.
Other names: A4GALT, PRO251LEU; c.752C>T, p.Pro251Leu (NM_001318038.3); short protein forms P251L.
Identifiers: ClinVar variation 2693 (VCV000002693.5), dbSNP rs28940571, ClinGen allele CA115685.